The following is an entry in ClinVar:

NM_000334.4(SCN4A):c.3395G>A (p.Arg1132Gln)

Genes: GH-LCR (growth hormone locus control region; plus strand), SCN4A (sodium voltage-gated channel alpha subunit 4; minus strand). Cytogenetic location: 17q23.3.
Variant type: single nucleotide variant.
Coding change: c.3395G>A on transcript NM_000334.4 (MANE Select); coding-DNA position 3395, G replaced by A.
Protein change: p.Arg1132Gln; replaces arginine 1132 with glutamine.
Molecular consequence: missense variant.
Genome position (GRCh38, 1-based): chr17:63,947,091, C>T on the plus strand (G>A on the coding strand, the complement: SCN4A is on the minus strand). VCF-style: chr17-63947091-C-T. GRCh37 (hg19) VCF-style: chr17-62024451-C-T.
Other names: short protein forms R1132Q.
Identifiers: ClinVar variation 21155 (VCV000021155.25), dbSNP rs80338789, ClinGen allele CA263213.

ClinVar aggregate classification (germline): Pathogenic. Review status: criteria provided, multiple submitters, no conflicts (2 of 4 stars). 10 submissions from 10 submitters: Pathogenic (8). 2 of the submissions do not count toward it. Last evaluated 2025-07-26.

Conditions:
Skeletal muscle channelopathy.
Hypokalemic periodic paralysis, type 2 (HOKPP2). Identifiers: Orphanet 681, MedGen C2750061, MONDO:0013234, OMIM 613345.
Hyperkalemic periodic paralysis. Also called: Gamstorp disease; Familial hyperkalemic periodic paralysis. Identifiers: Orphanet 682, MedGen C0238357, MONDO:0008224, OMIM 170500, HP:0007215.

Allele frequency attached by ClinVar (database versions not stated): TOPMed 0.00001; gnomAD exomes below 0.00001; gnomAD 0.00001.
gnomAD v4.1: 6 of 1,613,408 alleles (0.00037%); highest among the groups gnomAD compares: Non-Finnish European, 0.00042%; no homozygotes.

Submissions (10):

Genetics Laboratory, Great Ormond Street Hospital NHS Foundation Trust, North Thames Genomic Laboratory Hub
Classification: Pathogenic for Skeletal muscle channelopathy. Last evaluated: 2025-07-26. Review status: criteria provided, single submitter. Criteria: ACGS Best Practice Guidelines for Variant Classification in Rare Disease 2024 v1.2. Collection method: clinical testing. Allele origin: germline. Affected: yes.
Comment: PP3_supporting, PS3_strong, PM1_moderate, PP1_strong

Labcorp Genetics (formerly Invitae), Labcorp
Classification: Pathogenic for Hyperkalemic periodic paralysis. Last evaluated: 2025-06-09. Review status: criteria provided, single submitter. Criteria: Invitae Variant Classification Sherloc (09022015). Collection method: clinical testing. Allele origin: germline.
Comment: This sequence change replaces arginine, which is basic and polar, with glutamine, which is neutral and polar, at codon 1132 of the SCN4A protein (p.Arg1132Gln). This variant is present in population databases (rs80338789, gnomAD 0.007%). This missense change has been observed in individuals with autosomal dominant hypokalemic periodic paralysis (PMID: 16890191, 19118277, 19882638). It has also been observed to segregate with disease in related individuals. ClinVar contains an entry for this variant (Variation ID: 21155). Invitae Evidence Modeling of protein sequence and biophysical properties (such as structural, functional, and spatial information, amino acid conservation, physicochemical variation, residue mobility, and thermodynamic stability) indicates that this missense variant is expected to disrupt SCN4A protein function with a positive predictive value of 95%. Experimental studies have shown that this missense change affects SCN4A function (PMID: 16890191, 21490317). For these reasons, this variant has been classified as Pathogenic.

GeneDx
Classification: Pathogenic. Last evaluated: 2022-09-26. Review status: criteria provided, single submitter. Criteria: GeneDx Variant Classification Process June 2021. Collection method: clinical testing. Allele origin: germline. Affected: yes.
Comment: Observed in the heterozygous state in individuals with hypokalemic periodic paralysis in the literature and not observed in controls (Arzel-Hezode et al., 2010; Matthews et al., 2009; Maggi et al., 2020); Observed in apparent homozygous state in one individual, with hypokalemic periodic paralysis; clinical and EMG phenotypes were more severe in the one homozygote than in heterozygotes (Arzel-Hezode et al., 2010); Published functional studies demonstrate this variant leads to abnormal depolarization of the sodium channel at resting potential leading to muscle hypo-excitability; It also alters channel activation and deactivation (Carle et al., 2006; Francis et al., 2011; Mnnikk et al., 2018); In silico analysis supports that this missense variant has a deleterious effect on protein structure/function; Not observed at a significant frequency in large population cohorts (gnomAD); This variant is associated with the following publications: (PMID: 21044565, 31567646, 21468196, 29606556, 23019082, 21490317, 20522878, 21841462, 16890191, 19882638, 31589614, 34608571, 29636418, 32849172, 19118277)

MGZ Medical Genetics Center
Classification: Pathogenic for Hypokalemic periodic paralysis, type 2. Last evaluated: 2022-01-17. Review status: criteria provided, single submitter. Criteria: ACMG Guidelines, 2015. Collection method: clinical testing. Allele origin: germline. Affected: yes. Observed: 1 variant allele.
Comment: ACMG criteria applied: PS3, PP1_STR, PS4_MOD, PM2_SUP, PP3

Revvity Omics, Revvity
Classification: Pathogenic. Last evaluated: 2020-03-09. Review status: criteria provided, single submitter. Criteria: ACMG Guidelines, 2015. Collection method: clinical testing. Allele origin: germline.

Women's Health and Genetics/Laboratory Corporation of America, LabCorp
Classification: Pathogenic. Last evaluated: 2020-02-20. Review status: criteria provided, single submitter. Criteria: LabCorp Variant Classification Summary - May 2015. Collection method: clinical testing. Allele origin: germline.
Comment: Variant summary: SCN4A c.3395G>A (p.Arg1132Gln) results in a conservative amino acid change located in the Ion transport domain (IPR005821) of the encoded protein sequence. Four of five in-silico tools predict a damaging effect of the variant on protein function. The variant was absent in 249412 control chromosomes (gnomAD). c.3395G>A has been reported in the literature in multiple individuals including one homozygote affected with SCN4A-Related Disorders (Carle_2006, Matthews_2009, Arzel-Hezode_2010). These data indicate that the variant is very likely to be associated with disease. At least two functional studies report this variant conducts an anomalous gating pore current (Carle_2006, Francis_2011). Two ClinVar submitters (evaluation after 2014) cite the variant as pathogenic. Based on the evidence outlined above, the variant was classified as pathogenic.

Athena Diagnostics
Classification: Pathogenic. Last evaluated: 2016-09-01. Review status: criteria provided, single submitter. Criteria: Athena Diagnostics Criteria. Collection method: clinical testing. Allele origin: germline.

Juno Genomics, Hangzhou Juno Genomics, Inc
Classification: Pathogenic for Hypokalemic periodic paralysis, type 2. Review status: criteria provided, single submitter. Criteria: ACMG Guidelines, 2015. Collection method: clinical testing. Allele origin: germline. Affected: yes.
Comment: Absent from controls (or at extremely low frequency if recessive) in Genome Aggregation Database.;Co-segregation with disease in multiple affected family members.;The prevalence of the variant in affected individuals is significantly increased compared to the prevalence in controls.;Patient's phenotype or family history is highly specific for a disease with a single genetic etiology.;Well-established in vitro or in vivo functional studies supportive of a damaging effect on the gene or gene product.

OMIM
Classification: Pathogenic for HYPOKALEMIC PERIODIC PARALYSIS, TYPE 2. Last evaluated: 2011-05-10. Review status: no assertion criteria provided. Collection method: literature only. Allele origin: germline. Not counted in ClinVar's aggregate classification.

GeneReviews
No classification provided. Condition: Hypokalemic periodic paralysis, type 2. Review status: no classification provided. Collection method: literature only. Allele origin: germline. Not counted in ClinVar's aggregate classification.

Literature cited by the submitters: PubMed 16890191 (cited by 4 submitters); PubMed 19118277 (cited by 3 submitters); PubMed 19882638 (cited by 3 submitters); PubMed 21490317 (cited by 4 submitters); PubMed 18041053 (cited by Athena Diagnostics).